The following is an entry in ClinVar:

NM_020971.3(SPTBN4):c.3710C>A (p.Ala1237Asp)

Gene: SPTBN4 (spectrin beta, non-erythrocytic 4; plus strand). Cytogenetic location: 19q13.2.
Variant type: single nucleotide variant.
Coding change: c.3710C>A on transcript NM_020971.3 (MANE Select); coding-DNA position 3710, C replaced by A.
Protein change: p.Ala1237Asp; replaces alanine 1237 with aspartic acid.
Molecular consequence: missense variant.
Genome position (GRCh38, 1-based): chr19:40,523,492, C>A. VCF-style: chr19-40523492-C-A. GRCh37 (hg19) VCF-style: chr19-41029399-C-A.
Other names: short protein forms A1237D.
Identifiers: ClinVar variation 781881 (VCV000781881.32), dbSNP rs148009574, ClinGen allele CA9446059.

ClinVar aggregate classification (germline): Benign/Likely benign. Review status: criteria provided, multiple submitters, no conflicts (2 of 4 stars). 3 submissions from 3 submitters: Benign (2); Likely benign (1). Last evaluated 2026-07-01.

Allele frequency attached by ClinVar (database versions not stated): 1000 Genomes Project 0.00200; 1000 Genomes Project 30x 0.00203; gnomAD exomes 0.00522; gnomAD 0.00532 and 0.00568; TOPMed 0.00561; ExAC 0.00629; ESP Exome Variant Server 0.00669.
gnomAD v4.1: 12,797 of 1,613,662 alleles (0.79%); highest among the groups gnomAD compares: Non-Finnish European, 0.99%; 61 homozygotes.

Submissions (3):

CeGaT Center for Human Genetics Tuebingen
Classification: Likely benign. Last evaluated: 2026-07-01. Review status: criteria provided, single submitter. Criteria: CeGaT Center For Human Genetics Tuebingen Variant Classification Criteria Version 2. Collection method: clinical testing. Allele origin: germline. Affected: yes. Observed: 18 variant alleles.
Comment: SPTBN4: BS2

Labcorp Genetics (formerly Invitae), Labcorp
Classification: Benign. Last evaluated: 2019-12-31. Review status: criteria provided, single submitter. Criteria: Invitae Variant Classification Sherloc (09022015). Collection method: clinical testing. Allele origin: germline.

Breakthrough Genomics
Classification: Benign. Review status: criteria provided, single submitter. Criteria: ACMG Guidelines, 2015. Collection method: not provided. Allele origin: germline. Inheritance: Autosomal recessive inheritance. Affected: yes.